The following is an entry in ClinVar:

NM_022455.5(NSD1):c.3594G>T (p.Glu1198Asp)

Gene: NSD1 (nuclear receptor binding SET domain protein 1; plus strand). Cytogenetic location: 5q35.3.
Variant type: single nucleotide variant.
Coding change: c.3594G>T on transcript NM_022455.5 (MANE Select); coding-DNA position 3594, G replaced by T.
Protein change: p.Glu1198Asp; replaces glutamic acid 1198 with aspartic acid.
Molecular consequence: missense variant.
Genome position (GRCh38, 1-based): chr5:177,211,993, G>T. VCF-style: chr5-177211993-G-T. GRCh37 (hg19) VCF-style: chr5-176638994-G-T.
Other names: c.2721G>T, p.Glu907Asp (NM_001365684.2, NM_001409306.1, NM_001409307.1 and 3 more transcripts); c.3594G>T, p.Glu1198Asp (NM_001409301.1, NM_001409302.1, NM_001409303.1); c.3174G>T, p.Glu1058Asp (NM_001409304.1); c.2841G>T, p.Glu947Asp (NM_001409305.1); short protein forms E1198D, E947D, E1058D, E907D.
Identifiers: ClinVar variation 3708842 (VCV003708842.2).
Genomic context (GRCh38, chr5:177,211,993, plus strand): 5'-AGAGAAAGAAAACTCTGAGTGTGCCTTTAGGGTCTTACTTCCTAGTGACCCTGTGCAGGA[G>T]GGGCGGGATGAGTTTCCAGAGCATAGAACTCCTTCAGCAAGCATACTTGAGGAACCACTG-3'
Protein context (NP_071900.2, residues 1188-1208): RVLLPSDPVQ[Glu1198Asp]GRDEFPEHRT

ClinVar aggregate classification (germline): Uncertain significance (1 of 4 stars; one submission).

gnomAD v4.1: 2 of 1,613,638 alleles (0.00012%); highest among the groups gnomAD compares: African/African-American, 0.0027%; no homozygotes.

Submission:

Labcorp Genetics (formerly Invitae), Labcorp
Classification: Uncertain significance. Last evaluated: 2024-03-20. Review status: criteria provided, single submitter. Criteria: Invitae Variant Classification Sherloc (09022015). Collection method: clinical testing. Allele origin: germline.
Comment: This sequence change replaces glutamic acid, which is acidic and polar, with aspartic acid, which is acidic and polar, at codon 1198 of the NSD1 protein (p.Glu1198Asp). This variant is not present in population databases (gnomAD no frequency). This variant has not been reported in the literature in individuals affected with NSD1-related conditions. Advanced modeling of protein sequence and biophysical properties (such as structural, functional, and spatial information, amino acid conservation, physicochemical variation, residue mobility, and thermodynamic stability) performed at Invitae indicates that this missense variant is not expected to disrupt NSD1 protein function with a negative predictive value of 95%. In summary, the available evidence is currently insufficient to determine the role of this variant in disease. Therefore, it has been classified as a Variant of Uncertain Significance.